The following is an entry in ClinVar:

NM_004446.3(EPRS1):c.667_675del (p.His223_Gln225del)

Gene: EPRS1 (glutamyl-prolyl-tRNA synthetase 1; minus strand). Cytogenetic location: 1q41.
Variant type: Deletion.
Coding change: c.667_675del on transcript NM_004446.3 (MANE Select); coding-DNA positions 667 to 675, 9 bases deleted (CACTACCAG; older notation c.667_675delCACTACCAG).
Protein change: p.His223_Gln225del.
Molecular consequence: inframe deletion.
Genome position (GRCh38, 1-based): chr1:220,025,207-220,025,215, CTGGTAGTG deleted on the plus strand (CACTACCAG on the coding strand, the reverse complement: EPRS1 is on the minus strand); deleting any 9 consecutive bases within chr1:220,025,207-220,025,220 gives the same sequence; the c. name uses the placement nearest the transcript's 3' end. VCF-style (leftmost placement, unchanged base first): chr1-220025206-CCTGGTAGTG-C. GRCh37 (hg19) VCF-style: chr1-220198548-CCTGGTAGTG-C.
Identifiers: ClinVar variation 3338549 (VCV003338549.1).
Genomic context (GRCh38, chr1:220,025,206, plus strand): 5'-CCTTTTCTTTTTCAGGATTTGTGTCATCAAATCTCATGATCAGTTTCCCTTTAAAGTTAA[CCTGGTAGTG>C]CTGGTTCAGAAGAGCAGCTTTTGCATGCCCAATGTGTAAGTAACTAAAACAAAAACATTT-3'

ClinVar aggregate classification (germline): Uncertain significance (1 of 4 stars; one submission).

Submission:

Greenwood Genetic Center Diagnostic Laboratories, Greenwood Genetic Center
Classification: Uncertain significance. Last evaluated: 2024-06-07. Review status: criteria provided, single submitter. Criteria: ACMG Guidelines, 2015. Collection method: clinical testing. Allele origin: germline. Affected: yes.
Comment: Gene of Uncertain Significance for autism